The following is an entry in ClinVar:

NM_005909.5(MAP1B):c.6761C>T (p.Ser2254Leu)

Gene: MAP1B (microtubule associated protein 1B; plus strand). Cytogenetic location: 5q13.2.
Variant type: single nucleotide variant.
Coding change: c.6761C>T on transcript NM_005909.5 (MANE Select); coding-DNA position 6761, C replaced by T.
Protein change: p.Ser2254Leu; replaces serine 2254 with leucine.
Molecular consequence: missense variant.
Genome position (GRCh38, 1-based): chr5:72,200,116, C>T. VCF-style: chr5-72200116-C-T. GRCh37 (hg19) VCF-style: chr5-71495943-C-T.
Other names: c.6383C>T, p.Ser2128Leu (NM_001324255.2); short protein forms S2128L, S2254L.
Identifiers: ClinVar variation 4538622 (VCV004538622.1).

ClinVar aggregate classification (germline): Uncertain significance (1 of 4 stars; one submission).

Submission:

GeneDx
Classification: Uncertain significance. Last evaluated: 2025-06-16. Review status: criteria provided, single submitter. Criteria: GeneDx Variant Classification Process June 2021. Collection method: clinical testing. Allele origin: germline. Affected: yes.
Comment: De novo variant with confirmed parentage in a patient in published literature from a cohort of individuals with developmental disorders; however, detailed clinical information was not provided, and the patient harbored additional de novo variants (PMID: 33057194); Not observed at significant frequency in large population cohorts (gnomAD); In silico analysis supports that this missense variant has a deleterious effect on protein structure/function; This variant is associated with the following publications: (PMID: 35982159, 33057194)